The following is an entry in ClinVar:

ClinVar aggregate classification (germline): Pathogenic (1 of 4 stars; one submission).

Conditions:
Familial adenomatous polyposis 1 (FAP1). Also called: FAMILIAL ADENOMATOUS POLYPOSIS 1, ATTENUATED; POLYPOSIS, ADENOMATOUS INTESTINAL. Identifiers: MedGen C2713442, MONDO:0021056, OMIM 175100. Disease mechanism: loss of function.

Submission:

Labcorp Genetics (formerly Invitae), Labcorp
Classification: Pathogenic for Familial adenomatous polyposis 1. Last evaluated: 2024-03-12. Review status: criteria provided, single submitter. Criteria: Invitae Variant Classification Sherloc (09022015). Collection method: clinical testing. Allele origin: germline.
Comment: This sequence change creates a premature translational stop signal (p.Leu1972Profs*15) in the APC gene. While this is not anticipated to result in nonsense mediated decay, it is expected to disrupt the last 872 amino acid(s) of the APC protein. This variant is not present in population databases (gnomAD no frequency). This variant has not been reported in the literature in individuals affected with APC-related conditions. This variant is expected to disrupt the EB1 and HDLG binding sites, which mediate interactions with the cytoskeleton (PMID: 15311282, 17293347). While functional studies have not been performed to directly test the effect on APC protein function, this suggests that disruption of the C-terminal portion of the protein is functionally important. This variant disrupts a region of the APC protein in which other variant(s) (p.Tyr2645Lysfs*14) have been determined to be pathogenic (PMID: 1316610, 8381579, 9824584, 22135120, 27081525; Invitae). This suggests that this is a clinically significant region of the protein, and that variants that disrupt it are likely to be disease-causing. For these reasons, this variant has been classified as Pathogenic.

Literature cited by the submitters: PubMed 15311282; PubMed 17293347; PubMed 1316610; PubMed 8381579; PubMed 9824584; PubMed 22135120; PubMed 27081525.

NM_000038.6(APC):c.5915_6492del (p.Leu1972fs)

Gene: APC (APC regulator of Wnt signaling pathway; plus strand). Cytogenetic location: 5q22.2.
Variant type: Deletion.
Coding change: c.5915_6492del on transcript NM_000038.6 (MANE Select); coding-DNA positions 5915 to 6492, 578 bases deleted.
Protein change: p.Leu1972fs; shifts the reading frame from leucine 1972.
Molecular consequence: frameshift variant. On other transcripts: non-coding transcript variant (2).
Genome position (GRCh38, 1-based): chr5:112,841,509-112,842,086, 578 bases deleted. GRCh37 (hg19): chr5:112,177,206-112,177,783.
Other names: c.5915_6492del, p.Leu1972fs (NM_001127510.3, NM_001354895.2, NM_001407450.1); c.5861_6438del, p.Leu1954fs (NM_001127511.3); c.5969_6546del, p.Leu1990fs (NM_001354896.2, NM_001407447.1, NM_001407448.1 and 1 more transcripts); c.5945_6522del, p.Leu1982fs (NM_001354897.2); c.5840_6417del, p.Leu1947fs (NM_001354898.2); c.5831_6408del, p.Leu1944fs (NM_001354899.2); c.5792_6369del, p.Leu1931fs (NM_001354900.2); c.5738_6315del, p.Leu1913fs (NM_001354901.2, NM_001407453.1); and 11 more; short protein forms L1588fs, L1843fs, L1846fs, L1881fs, L1889fs, L1913fs, L1954fs, L1965fs.
Identifiers: ClinVar variation 2749139 (VCV002749139.3), dbSNP rs2533677076, ClinGen allele CA2697546373.